The following is an entry in ClinVar:

NM_001142864.4(PIEZO1):c.3138G>A (p.Ala1046=)

Genes: HSALR1 (HSP90AB1 associated lncRNA 1; plus strand), PIEZO1 (piezo type mechanosensitive ion channel component 1 (Er blood group); minus strand). Cytogenetic location: 16q24.3.
Variant type: single nucleotide variant.
Coding change: c.3138G>A on transcript NM_001142864.4 (MANE Select); coding-DNA position 3138, G replaced by A.
Protein change: p.Ala1046=; no amino-acid change (alanine 1046 retained).
Molecular consequence: synonymous variant.
Genome position (GRCh38, 1-based): chr16:88,731,764, C>T on the plus strand (G>A on the coding strand, the complement: PIEZO1 is on the minus strand). VCF-style: chr16-88731764-C-T. GRCh37 (hg19) VCF-style: chr16-88798172-C-T.
Other names: c.1680G>A, p.Ala560= (NM_014745.1).
Identifiers: ClinVar variation 3032493 (VCV003032493.3), dbSNP rs746865902, ClinGen allele CA8232560.

ClinVar aggregate classification (germline): Likely benign. Review status: criteria provided, single submitter (1 of 4 stars). 2 submissions from 2 submitters: Likely benign (1). 1 of the submissions does not count toward it. Last evaluated 2022-05-16.

Conditions:
PIEZO1-related disorder. Also called: PIEZO1-related condition; PIEZO1-Related Disorders.

Allele frequency attached by ClinVar (database versions not stated): ExAC 0.00005; gnomAD 0.00010; TOPMed 0.00013; 1000 Genomes Project 30x 0.00031.
gnomAD v4.1: 93 of 1,549,594 alleles (0.006%); highest among the groups gnomAD compares: East Asian, 0.15%; no homozygotes.

Submissions (2):

Blueprint Genetics
Classification: Likely benign. Last evaluated: 2022-05-16. Review status: criteria provided, single submitter. Criteria: ACMG Guidelines, 2015. Collection method: clinical testing. Allele origin: germline.

PreventionGenetics, part of Exact Sciences
Classification: Likely benign for PIEZO1-related condition. Last evaluated: 2022-01-25. Review status: no assertion criteria provided. Collection method: clinical testing. Allele origin: germline. Not counted in ClinVar's aggregate classification.
Comment: This variant is classified as likely benign based on ACMG/AMP sequence variant interpretation guidelines (Richards et al. 2015 PMID: 25741868, with internal and published modifications).